The following is an entry in ClinVar:

ClinVar aggregate classification (germline): Benign. Review status: criteria provided, multiple submitters, no conflicts (2 of 4 stars). 3 submissions from 2 submitters: Benign (3). Last evaluated 2018-01-12.

Conditions:
Van der Woude syndrome 1. Also called: CLEFT LIP AND/OR PALATE WITH MUCOUS CYSTS OF LOWER LIP; van der Woude Syndrome (VWS). Identifiers: MedGen C4551864, MONDO:0007333, OMIM 119300.
Orofacial cleft 6, susceptibility to (OFC6). Also called: CLEFT LIP WITH OR WITHOUT CLEFT PALATE, NONSYNDROMIC, 6. Identifiers: MedGen C1837213, MONDO:0012141, OMIM 608864.

Allele frequency attached by ClinVar (database versions not stated): 1000 Genomes Project 30x 0.00437; 1000 Genomes Project 0.00479; gnomAD 0.00677 and 0.00706; TOPMed 0.00699; gnomAD exomes 0.00765.

Submissions (3):

Illumina Laboratory Services, Illumina
Classification: Benign for Van der Woude syndrome 1. Last evaluated: 2018-01-12. Review status: criteria provided, single submitter. Criteria: ICSL Variant Classification Criteria 13 December 2019. Collection method: clinical testing. Allele origin: germline.
Comment: This variant was observed in the ICSL laboratory as part of a predisposition screen in an ostensibly healthy population. It had not been previously curated by ICSL or reported in the Human Gene Mutation Database (HGMD: prior to June 1st, 2018), and was therefore a candidate for classification through an automated scoring system. Utilizing variant allele frequency, disease prevalence and penetrance estimates, and inheritance mode, an automated score was calculated to assess if this variant is too frequent to cause the disease. Based on the score and internal cut-off values, a variant classified as benign is not then subjected to further curation. The score for this variant resulted in a classification of benign for this disease.

Illumina Laboratory Services, Illumina
Classification: Benign for Orofacial cleft 6, susceptibility to. Last evaluated: 2018-01-12. Review status: criteria provided, single submitter. Criteria: ICSL Variant Classification Criteria 13 December 2019. Collection method: clinical testing. Allele origin: germline.
Comment: the same text as in the submission from Illumina Laboratory Services, Illumina above.

Breakthrough Genomics
Classification: Benign. Review status: criteria provided, single submitter. Criteria: ACMG Guidelines, 2015. Collection method: not provided. Allele origin: germline. Inheritance: Autosomal dominant inheritance. Affected: yes.

NM_006147.4(IRF6):c.*479T>G

Gene: IRF6 (interferon regulatory factor 6; minus strand). Cytogenetic location: 1q32.2.
Variant type: single nucleotide variant.
Coding change: c.*479T>G on transcript NM_006147.4 (MANE Select); 479 bases downstream of the stop codon, T replaced by G.
Molecular consequence: 3 prime UTR variant.
Genome position (GRCh38, 1-based): chr1:209,787,941, A>C on the plus strand (T>G on the coding strand, the complement: IRF6 is on the minus strand). VCF-style: chr1-209787941-A-C. GRCh37 (hg19) VCF-style: chr1-209961286-A-C.
Other names: c.*479T>G (NM_001206696.2).
Identifiers: ClinVar variation 295198 (VCV000295198.6), dbSNP rs75012801, ClinGen allele CA10609682.